The following is an entry in ClinVar:

ClinVar aggregate classification (germline): Uncertain significance (1 of 4 stars; one submission).

Submission:

Ambry Genetics
Classification: Uncertain significance. Last evaluated: 2022-12-27. Review status: criteria provided, single submitter. Criteria: Ambry Variant Classification Scheme 2023. Collection method: clinical testing. Allele origin: germline.
Comment: The p.D452N variant (also known as c.1354G>A), located in coding exon 13 of the NPAT gene, results from a G to A substitution at nucleotide position 1354. The aspartic acid at codon 452 is replaced by asparagine, an amino acid with highly similar properties. This amino acid position is conserved. In addition, this alteration is predicted to be tolerated by in silico analysis. Since supporting evidence is limited at this time, the clinical significance of this alteration remains unclear.

NM_002519.3(NPAT):c.1354G>A (p.Asp452Asn)

Gene: NPAT (nuclear protein, coactivator of histone transcription; minus strand). Cytogenetic location: 11q22.3.
Variant type: single nucleotide variant.
Coding change: c.1354G>A on transcript NM_002519.3 (MANE Select); coding-DNA position 1354, G replaced by A.
Protein change: p.Asp452Asn; replaces aspartic acid 452 with asparagine.
Molecular consequence: missense variant.
Genome position (GRCh38, 1-based): chr11:108,173,630, C>T on the plus strand (G>A on the coding strand, the complement: NPAT is on the minus strand). VCF-style: chr11-108173630-C-T. GRCh37 (hg19) VCF-style: chr11-108044357-C-T.
Other names: c.1354G>A, p.Asp452Asn (NM_001321307.1); short protein forms D452N.
Identifiers: ClinVar variation 2453765 (VCV002453765.2), dbSNP rs1360998752, ClinGen allele CA382515509.